The following is an entry in ClinVar:

NM_033118.4(MYLK2):c.1649G>A (p.Cys550Tyr)

Gene: MYLK2 (myosin light chain kinase 2; plus strand). Cytogenetic location: 20q11.21.
Variant type: single nucleotide variant.
Coding change: c.1649G>A on transcript NM_033118.4 (MANE Select); coding-DNA position 1649, G replaced by A.
Protein change: p.Cys550Tyr; replaces cysteine 550 with tyrosine.
Molecular consequence: missense variant.
Genome position (GRCh38, 1-based): chr20:31,832,075, G>A. VCF-style: chr20-31832075-G-A. GRCh37 (hg19) VCF-style: chr20-30419878-G-A.
Other names: short protein forms C550Y.
Identifiers: ClinVar variation 1485096 (VCV001485096.6), dbSNP rs771059154, ClinGen allele CA9803285.

ClinVar aggregate classification (germline): Uncertain significance (1 of 4 stars; one submission).

Conditions:
Hypertrophic cardiomyopathy 1 (CMH1). Also called: MYH7-Related Familial Hypertrophic Cardiomyopathy; Familial hypertrophic cardiomyopathy 1. Identifiers: MedGen C3495498, MONDO:0008647, OMIM 192600.

Allele frequency attached by ClinVar (database versions not stated): ExAC 0.00005; TOPMed 0.00006; gnomAD 0.00008 and 0.00009.
gnomAD v4.1: 25 of 1,599,020 alleles (0.0016%); highest among the groups gnomAD compares: Admixed American, 0.037%; no homozygotes.

Submission:

Labcorp Genetics (formerly Invitae), Labcorp
Classification: Uncertain significance for Hypertrophic cardiomyopathy 1. Last evaluated: 2024-04-22. Review status: criteria provided, single submitter. Criteria: Invitae Variant Classification Sherloc (09022015). Collection method: clinical testing. Allele origin: germline.
Comment: This sequence change replaces cysteine, which is neutral and slightly polar, with tyrosine, which is neutral and polar, at codon 550 of the MYLK2 protein (p.Cys550Tyr). This variant is present in population databases (rs771059154, gnomAD 0.04%). This variant has not been reported in the literature in individuals affected with MYLK2-related conditions. ClinVar contains an entry for this variant (Variation ID: 1485096). An algorithm developed to predict the effect of missense changes on protein structure and function (PolyPhen-2) suggests that this variant is likely to be disruptive. In summary, the available evidence is currently insufficient to determine the role of this variant in disease. Therefore, it has been classified as a Variant of Uncertain Significance.